The following is an entry in ClinVar:

ClinVar aggregate classification (germline): Pathogenic (0 of 4 stars; one submission).

Conditions:
Pyruvate dehydrogenase E1-alpha deficiency (PDHAD). Also called: ATAXIA, INTERMITTENT, WITH PYRUVATE DEHYDROGENASE DEFICIENCY; ATAXIA WITH LACTIC ACIDOSIS I; ATAXIA, INTERMITTENT, WITH ABNORMAL PYRUVATE METABOLISM; Ataxia, intermittent, with pyruvate dehydrogenase, or decarboxylase, deficiency. Identifiers: Orphanet 79243, MedGen C1839413, MONDO:0010717, OMIM 312170.

Submission:

PDHA1 Study Group, University Children’s Hospital, Paracelsus Medical University
Classification: Pathogenic for Pyruvate dehydrogenase E1-alpha deficiency. Last evaluated: 2024-10-15. Review status: no assertion criteria provided. Collection method: research. Allele origin: germline. Affected: yes. Observed: 1 variant allele.
Comment: The NM_000284.3:c.760-2A>G (p.?) variant affects splicing in PDHA1 gene. Last literature search: July 12, 2024. This variant is absent or extremely rare in population-based cohorts in the Genome Aggregation Database (gnomAD). Individuals harboring this variant presented with clinical features compatible with PDHA1-related PDHc deficiency. In summary, this variant meets criteria to be classified as pathogenic (P) for PDHA1-related PDHc deficiency based on the ACMG/AMP criteria applied: PVS1, PS3, PM2, PM7 (last assessment October 15, 2024).

Literature cited by the submitters: DOI 10.1093/brain/awaf430.

NM_000284.4(PDHA1):c.760-2A>G

Gene: PDHA1 (pyruvate dehydrogenase E1 subunit alpha 1; plus strand). Cytogenetic location: Xp22.12.
Variant type: single nucleotide variant.
Coding change: c.760-2A>G on transcript NM_000284.4 (MANE Select); the canonical splice acceptor site of the intron before coding-DNA position 760, A replaced by G.
Molecular consequence: splice acceptor variant.
Genome position (GRCh38, 1-based): chrX:19,355,684, A>G. VCF-style: chrX-19355684-A-G. GRCh37 (hg19) VCF-style: chrX-19373802-A-G.
Other names: c.874-2A>G (NM_001173454.2); c.781-2A>G (NM_001173455.2); c.667-2A>G (NM_001173456.2).
Identifiers: ClinVar variation 4070367 (VCV004070367.1).
Genomic context (GRCh38, chrX:19,355,684, plus strand): 5'-TGAAAGTAAAATGGTTTGGGGCAGTTGGATTCATGCTTCGCCCCTCCCCTGTTTATTACC[A>G]GGTGGATGGAATGGATATCCTGTGCGTCCGAGAGGCAACAAGGTTTGCTGCTGCCTATTG-3'